The following is an entry in ClinVar:

ClinVar aggregate classification (germline): Uncertain significance (1 of 4 stars; one submission).

Allele frequency attached by ClinVar (database versions not stated): gnomAD exomes 0.00001; gnomAD 0.00004; TOPMed 0.00004; ExAC 0.00005.

Submission:

Labcorp Genetics (formerly Invitae), Labcorp
Classification: Uncertain significance. Last evaluated: 2022-08-22. Review status: criteria provided, single submitter. Criteria: Invitae Variant Classification Sherloc (09022015). Collection method: clinical testing. Allele origin: germline.
Comment: This sequence change replaces arginine, which is basic and polar, with cysteine, which is neutral and slightly polar, at codon 150 of the KPNA7 protein (p.Arg150Cys). This variant is present in population databases (rs754676038, gnomAD 0.02%). This variant has not been reported in the literature in individuals affected with KPNA7-related conditions. ClinVar contains an entry for this variant (Variation ID: 1476621). Algorithms developed to predict the effect of missense changes on protein structure and function are either unavailable or do not agree on the potential impact of this missense change (SIFT: "Deleterious"; PolyPhen-2: "Probably Damaging"; Align-GVGD: "Class C15"). In summary, the available evidence is currently insufficient to determine the role of this variant in disease. Therefore, it has been classified as a Variant of Uncertain Significance.

NM_001145715.3(KPNA7):c.448C>T (p.Arg150Cys)

Gene: KPNA7 (karyopherin subunit alpha 7; minus strand). Cytogenetic location: 7q22.1.
Variant type: single nucleotide variant.
Coding change: c.448C>T on transcript NM_001145715.3 (MANE Select); coding-DNA position 448, C replaced by T.
Protein change: p.Arg150Cys; replaces arginine 150 with cysteine.
Molecular consequence: missense variant.
Genome position (GRCh38, 1-based): chr7:99,195,175, G>A on the plus strand (C>T on the coding strand, the complement: KPNA7 is on the minus strand). VCF-style: chr7-99195175-G-A. GRCh37 (hg19) VCF-style: chr7-98792798-G-A.
Other names: short protein forms R150C.
Identifiers: ClinVar variation 1476621 (VCV001476621.5), dbSNP rs754676038, ClinGen allele CA4363252.